The following is an entry in ClinVar:

NM_000257.4(MYH7):c.3556G>T (p.Glu1186Ter)

Gene: MYH7 (myosin heavy chain 7; minus strand). Cytogenetic location: 14q11.2.
Variant type: single nucleotide variant.
Coding change: c.3556G>T on transcript NM_000257.4 (MANE Select); coding-DNA position 3556, G replaced by T.
Protein change: p.Glu1186Ter; replaces glutamic acid 1186 with a stop codon.
Molecular consequence: nonsense.
Genome position (GRCh38, 1-based): chr14:23,420,015, C>A on the plus strand (G>T on the coding strand, the complement: MYH7 is on the minus strand). VCF-style: chr14-23420015-C-A. GRCh37 (hg19) VCF-style: chr14-23889224-C-A.
Other names: c.3556G>T, p.Glu1186Ter (NM_001407004.1); short protein forms E1186*.
Identifiers: ClinVar variation 3625441 (VCV003625441.2).
Genomic context (GRCh38, chr14:23,420,015, plus strand): 5'-GCTCGCCCAGCTCGGCCACGCTGTCGGCGTGCTTCTTGCGCAGGGCCGCGGCAGTGGCCT[C>A]GTGCTGCAGCGTGGCCTCCTCCAGGTCCCGCCGCATCTTCTGGAACTCGGCCTCGCGCTT-3'

ClinVar aggregate classification (germline): Uncertain significance (1 of 4 stars; one submission).

Conditions:
Hypertrophic cardiomyopathy. Also called: HYPERTROPHIC MYOCARDIOPATHY. Identifiers: Orphanet 217569, MedGen C0007194, MeSH D002312, MONDO:0005045, HP:0001639.

Submission:

Labcorp Genetics (formerly Invitae), Labcorp
Classification: Uncertain significance for Hypertrophic cardiomyopathy. Last evaluated: 2025-05-26. Review status: criteria provided, single submitter. Criteria: Invitae Variant Classification Sherloc (09022015). Collection method: clinical testing. Allele origin: germline.
Comment: This sequence change creates a premature translational stop signal (p.Glu1186*) in the MYH7 gene. It is expected to result in an absent or disrupted protein product. However, the current clinical and genetic evidence is not sufficient to establish whether loss-of-function variants in MYH7 cause disease. This variant is present in population databases (no rsID available, gnomAD 0.003%). This variant has not been reported in the literature in individuals affected with MYH7-related conditions. ClinVar contains an entry for this variant (Variation ID: 3625441). In summary, the available evidence is currently insufficient to determine the role of this variant in disease. Therefore, it has been classified as a Variant of Uncertain Significance.